The following is an entry in ClinVar:

ClinVar aggregate classification (germline): Likely benign. Review status: criteria provided, multiple submitters, no conflicts (2 of 4 stars). 3 submissions from 3 submitters: Likely benign (2). 1 of the submissions does not count toward it. Last evaluated 2025-10-26.

Conditions:
Fanconi anemia (FA). Also called: Fanconi's anemia. Identifiers: Orphanet 84, MedGen C0015625, MeSH D005199, MONDO:0019391.

Allele frequency attached by ClinVar (database versions not stated): ExAC 0.00002; gnomAD exomes 0.00004; gnomAD 0.00005 and 0.00006; TOPMed 0.00005.
gnomAD v4.1: 178 of 1,614,050 alleles (0.011%); highest among the groups gnomAD compares: Non-Finnish European, 0.015%; no homozygotes.

Submissions (3):

Labcorp Genetics (formerly Invitae), Labcorp
Classification: Likely benign for Fanconi anemia. Last evaluated: 2025-10-26. Review status: criteria provided, single submitter. Criteria: Invitae Variant Classification Sherloc (09022015). Collection method: clinical testing. Allele origin: germline.

Sema4
Classification: Likely benign for Fanconi anemia. Last evaluated: 2021-03-25. Review status: criteria provided, single submitter. Criteria: Sema4 Curation Guidelines. Collection method: curation. Allele origin: germline.

Leiden Open Variation Database
Classification: Likely benign. Last evaluated: 2012-08-31. Review status: no assertion criteria provided. Collection method: curation. Allele origin: germline. Affected: yes. Not counted in ClinVar's aggregate classification.
Comment: Curator: Arleen D. Auerbach. Submitter to LOVD: Janine Bakker.

Literature cited by the submitters: PubMed 2291166 (cited by Sema4); PubMed 22911665 (cited by Leiden Open Variation Database).

NM_032444.4(SLX4):c.2949C>T (p.Tyr983=)

Gene: SLX4 (SLX4 structure-specific endonuclease subunit; minus strand). Cytogenetic location: 16p13.3.
Variant type: single nucleotide variant.
Coding change: c.2949C>T on transcript NM_032444.4 (MANE Select); coding-DNA position 2949, C replaced by T.
Protein change: p.Tyr983=; no amino-acid change (tyrosine 983 retained).
Molecular consequence: synonymous variant.
Genome position (GRCh38, 1-based): chr16:3,590,689, G>A on the plus strand (C>T on the coding strand, the complement: SLX4 is on the minus strand). VCF-style: chr16-3590689-G-A. GRCh37 (hg19) VCF-style: chr16-3640690-G-A.
Identifiers: ClinVar variation 929596 (VCV000929596.10), dbSNP rs758944750, ClinGen allele CA7866035.